The following is an entry in ClinVar:

ClinVar aggregate classification (germline): Uncertain significance. Review status: criteria provided, multiple submitters, no conflicts (2 of 4 stars). 2 submissions from 2 submitters: Uncertain significance (2). Last evaluated 2025-04-13.

Conditions:
Hypertrophic cardiomyopathy 4. Also called: Familial hypertrophic cardiomyopathy 4. Identifiers: MedGen C1861862, MONDO:0007268, OMIM 115197.
Hypertrophic cardiomyopathy. Also called: HYPERTROPHIC MYOCARDIOPATHY. Identifiers: Orphanet 217569, MedGen C0007194, MeSH D002312, MONDO:0005045, HP:0001639.

Submissions (2):

Labcorp Genetics (formerly Invitae), Labcorp
Classification: Uncertain significance for Hypertrophic cardiomyopathy. Last evaluated: 2025-04-13. Review status: criteria provided, single submitter. Criteria: Invitae Variant Classification Sherloc (09022015). Collection method: clinical testing. Allele origin: germline.
Comment: This sequence change replaces arginine, which is basic and polar, with serine, which is neutral and polar, at codon 458 of the MYBPC3 protein (p.Arg458Ser). This variant is not present in population databases (gnomAD no frequency). This variant has not been reported in the literature in individuals affected with MYBPC3-related conditions. ClinVar contains an entry for this variant (Variation ID: 3600480). An algorithm developed to predict the effect of missense changes on protein structure and function (PolyPhen-2) suggests that this variant is likely to be tolerated. In summary, the available evidence is currently insufficient to determine the role of this variant in disease. Therefore, it has been classified as a Variant of Uncertain Significance.

Clinical Genomics Laboratory, Washington University in St. Louis
Classification: Uncertain significance for Hypertrophic cardiomyopathy 4. Last evaluated: 2024-10-17. Review status: criteria provided, single submitter. Criteria: ACMG Guidelines, 2015. Collection method: clinical testing. Allele origin: germline.
Comment: The MYBPC3 c.1372C>A (p.Arg458Ser) variant, to our knowledge, has not been reported in the medical literature and is absent from the general population (gnomAD v.2.1.1), indicating that it is not a common variant. Computational predictors indicate this impact has no impact on MYBPC3 function. Due to limited information and based on ACMG/AMP guidelines for variant interpretation (Richards S et al., PMID: 25741868), the clinical significance of this variant is uncertain at this time.

NM_000256.3(MYBPC3):c.1372C>A (p.Arg458Ser)

Gene: MYBPC3 (myosin binding protein C3; minus strand). Cytogenetic location: 11p11.2.
Variant type: single nucleotide variant.
Coding change: c.1372C>A on transcript NM_000256.3 (MANE Select); coding-DNA position 1372, C replaced by A.
Protein change: p.Arg458Ser; replaces arginine 458 with serine.
Molecular consequence: missense variant.
Genome position (GRCh38, 1-based): chr11:47,342,915, G>T on the plus strand (C>A on the coding strand, the complement: MYBPC3 is on the minus strand). VCF-style: chr11-47342915-G-T. GRCh37 (hg19) VCF-style: chr11-47364466-G-T.
Other names: short protein forms R458S.
Identifiers: ClinVar variation 3600480 (VCV003600480.2).